The following is an entry in ClinVar:

NM_000432.4(MYL2):c.355G>A (p.Val119Ile)

Gene: MYL2 (myosin light chain 2; minus strand). Cytogenetic location: 12q24.11.
Variant type: single nucleotide variant.
Coding change: c.355G>A on transcript NM_000432.4 (MANE Select); coding-DNA position 355, G replaced by A.
Protein change: p.Val119Ile; replaces valine 119 with isoleucine.
Molecular consequence: missense variant.
Genome position (GRCh38, 1-based): chr12:110,913,143, C>T on the plus strand (G>A on the coding strand, the complement: MYL2 is on the minus strand). VCF-style: chr12-110913143-C-T. GRCh37 (hg19) VCF-style: chr12-111350947-C-T.
Other names: p.V119I:GTT>ATT; short protein forms V119I.
Identifiers: ClinVar variation 181420 (VCV000181420.22), dbSNP rs730880940, ClinGen allele CA010182.

ClinVar aggregate classification (germline): Conflicting classifications of pathogenicity. Review status: criteria provided, conflicting classifications (1 of 4 stars). 6 submissions from 6 submitters: Uncertain significance (3); Likely benign (3). Last evaluated 2026-01-26.

Conditions:
Cardiovascular phenotype. Identifiers: MedGen CN230736.
Cardiomyopathy (CMYO). Also called: Cardiomyopathies. Identifiers: Orphanet 167848, MedGen C0878544, MONDO:0004994, HP:0001638. Inheritance: Various modes of inheritance.
Hypertrophic cardiomyopathy 10. Also called: CARDIOMYOPATHY, HYPERTROPHIC, MID-LEFT VENTRICULAR CHAMBER TYPE, 2; MYL2-Related Familial Hypertrophic Cardiomyopathy. Identifiers: MedGen C1834460, MONDO:0012112, OMIM 608758.

Allele frequency attached by ClinVar (database versions not stated): gnomAD 0.00002; gnomAD exomes 0.00003; TOPMed 0.00003; ExAC 0.00004.
gnomAD v4.1: 48 of 1,614,084 alleles (0.003%); highest among the groups gnomAD compares: Middle Eastern, 0.066%; no homozygotes.

Submissions (6):

Labcorp Genetics (formerly Invitae), Labcorp
Classification: Uncertain significance for Hypertrophic cardiomyopathy 10. Last evaluated: 2026-01-26. Review status: criteria provided, single submitter. Criteria: Invitae Variant Classification Sherloc (09022015). Collection method: clinical testing. Allele origin: germline.
Comment: This sequence change replaces valine, which is neutral and non-polar, with isoleucine, which is neutral and non-polar, at codon 119 of the MYL2 protein (p.Val119Ile). This variant is present in population databases (rs730880940, gnomAD 0.005%). This missense change has been observed in individual(s) with dilated cardiomyopathy (PMID: 31737537, 33495597). ClinVar contains an entry for this variant (Variation ID: 181420). An algorithm developed to predict the effect of missense changes on protein structure and function outputs the following: PolyPhen-2: "Benign". The isoleucine amino acid residue is found in multiple mammalian species, which suggests that this missense change does not adversely affect protein function. In summary, the available evidence is currently insufficient to determine the role of this variant in disease. Therefore, it has been classified as a Variant of Uncertain Significance.

Color Diagnostics, LLC DBA Color Health
Classification: Likely benign for Cardiomyopathy. Last evaluated: 2025-11-25. Review status: criteria provided, single submitter. Criteria: ACMG Guidelines, 2015. Collection method: clinical testing. Allele origin: germline.

Ambry Genetics
Classification: Likely benign for Cardiovascular phenotype. Last evaluated: 2023-05-02. Review status: criteria provided, single submitter. Criteria: Ambry Variant Classification Scheme 2023. Collection method: clinical testing. Allele origin: germline.

GeneDx
Classification: Uncertain significance. Last evaluated: 2023-03-02. Review status: criteria provided, single submitter. Criteria: GeneDx Variant Classification Process June 2021. Collection method: clinical testing. Allele origin: germline. Affected: yes.
Comment: Identified in a patient with dilated cardiomyopathy (DCM) in the published literature (Marschall et al., 2019); In silico analysis supports that this missense variant does not alter protein structure/function; This variant is associated with the following publications: (PMID: 31737537)

CHEO Genetics Diagnostic Laboratory, Children's Hospital of Eastern Ontario
Classification: Uncertain significance for Cardiomyopathy. Last evaluated: 2023-02-24. Review status: criteria provided, single submitter. Criteria: ACMG Guidelines, 2015. Collection method: clinical testing. Allele origin: germline.

Laboratory for Molecular Medicine, Mass General Brigham Personalized Medicine
Classification: Likely benign. Last evaluated: 2015-02-26. Review status: criteria provided, single submitter. Criteria: LMM Criteria. Collection method: clinical testing. Allele origin: germline. Observed: 1 variant allele.
Comment: p.Val119Ile in exon 6 of MYL2 This variant is not expected to have clinical sign ificance due to a lack of conservation across species, including mammals. Of not e, >15 mammals have an isoleucine (Ile) at this position despite high nearby ami no acid conservation. It has been identified in 5/66738 of European chromosomes by the Exome Aggregation Consortium (ExAC).

Literature cited by the submitters: PubMed 31737537 (cited by Labcorp Genetics (formerly Invitae), Labcorp and Ambry Genetics); PubMed 33495597 (cited by Labcorp Genetics (formerly Invitae), Labcorp and Ambry Genetics).